The following is an entry in ClinVar:

NM_201384.3(PLEC):c.6631C>T (p.Arg2211Trp)

Gene: PLEC (plectin; minus strand). Cytogenetic location: 8q24.3.
Variant type: single nucleotide variant.
Coding change: c.6631C>T on transcript NM_201384.3 (MANE Select); coding-DNA position 6631, C replaced by T.
Protein change: p.Arg2211Trp; replaces arginine 2211 with tryptophan.
Molecular consequence: missense variant.
Genome position (GRCh38, 1-based): chr8:143,923,298, G>A on the plus strand (C>T on the coding strand, the complement: PLEC is on the minus strand). VCF-style: chr8-143923298-G-A. GRCh37 (hg19) VCF-style: chr8-144997466-G-A.
Other names: c.6712C>T, p.Arg2238Trp (NM_000445.5); c.6589C>T, p.Arg2197Trp (NM_201378.4); c.6565C>T, p.Arg2189Trp (NM_201379.3); c.7042C>T, p.Arg2348Trp (NM_201380.4); c.6535C>T, p.Arg2179Trp (NM_201381.3); c.6631C>T, p.Arg2211Trp (NM_201382.4); c.6643C>T, p.Arg2215Trp (NM_201383.3); short protein forms R2189W, R2211W, R2348W, R2179W, R2215W, R2238W, R2197W.
Identifiers: ClinVar variation 1414541 (VCV001414541.6), dbSNP rs377753306, ClinGen allele CA4925921.

ClinVar aggregate classification (germline): Uncertain significance (1 of 4 stars; one submission).

Conditions:
Epidermolysis bullosa simplex 5B, with muscular dystrophy (EBS5B). Also called: EPIDERMOLYSIS BULLOSA SIMPLEX AND LIMB-GIRDLE MUSCULAR DYSTROPHY; Epidermolysis bullosa simplex with muscular dystrophy. Identifiers: Orphanet 257, MedGen C2931072, MONDO:0009181, OMIM 226670.
Epidermolysis bullosa simplex, Ogna type (EBS5A). Also called: EPIDERMOLYSIS BULLOSA SIMPLEX 5A, OGNA TYPE; Pidermolysis bullosa simplex 5A, Ogna type. Identifiers: Orphanet 79401, MedGen C0432317, MONDO:0007555, OMIM 131950.
Epidermolysis bullosa simplex with nail dystrophy (EBS5D). Identifiers: MedGen C4225309, MONDO:0014661, OMIM 616487.
Autosomal recessive limb-girdle muscular dystrophy type 2Q (LGMDR17). Also called: MUSCULAR DYSTROPHY, LIMB-GIRDLE, AUTOSOMAL RECESSIVE 17. Identifiers: Orphanet 254361, MedGen C3150989, MONDO:0013390, OMIM 613723.
Epidermolysis bullosa simplex 5C, with pyloric atresia (EBS5C). Also called: Epidermolysis bullosa simplex with pyloric atresia; PLEC-Related Epidermolysis Bullosa with Pyloric Atresia; PLEC1-Related Epidermolysis Bullosa with Pyloric Atresia. Identifiers: Orphanet 158684, MedGen C2677349, MONDO:0012807, OMIM 612138.

Allele frequency attached by ClinVar (database versions not stated): gnomAD exomes 0.00002; TOPMed 0.00002; ExAC 0.00003; ESP Exome Variant Server 0.00008; gnomAD 0.00010.
gnomAD v4.1: 46 of 1,608,618 alleles (0.0029%); highest among the groups gnomAD compares: Non-Finnish European, 0.0036%; no homozygotes.

Submission:

Labcorp Genetics (formerly Invitae), Labcorp
Classification: Uncertain significance for Autosomal recessive limb-girdle muscular dystrophy type 2Q; Epidermolysis bullosa simplex, Ogna type; Epidermolysis bullosa simplex with nail dystrophy; Epidermolysis bullosa simplex 5C, with pyloric atresia; Epidermolysis bullosa simplex 5B, with muscular dystrophy. Last evaluated: 2024-09-05. Review status: criteria provided, single submitter. Criteria: Invitae Variant Classification Sherloc (09022015). Collection method: clinical testing. Allele origin: germline.
Comment: This sequence change replaces arginine, which is basic and polar, with tryptophan, which is neutral and slightly polar, at codon 2238 of the PLEC protein (p.Arg2238Trp). The frequency data for this variant in the population databases is considered unreliable, as metrics indicate poor data quality at this position in the gnomAD database. This variant has not been reported in the literature in individuals affected with PLEC-related conditions. ClinVar contains an entry for this variant (Variation ID: 1414541). An algorithm developed to predict the effect of missense changes on protein structure and function (PolyPhen-2) suggests that this variant is likely to be disruptive. In summary, the available evidence is currently insufficient to determine the role of this variant in disease. Therefore, it has been classified as a Variant of Uncertain Significance.